The following is an entry in ClinVar:

ClinVar aggregate classification (germline): Uncertain significance. Review status: criteria provided, multiple submitters, no conflicts (2 of 4 stars). 2 submissions from 2 submitters: Uncertain significance (2). Last evaluated 2021-04-14.

Allele frequency attached by ClinVar (database versions not stated): gnomAD 0.00003 and 0.00004; gnomAD exomes 0.00003 and 0.00014; TOPMed 0.00010; ExAC 0.00012.
gnomAD v4.1: 48 of 1,613,790 alleles (0.003%); highest among the groups gnomAD compares: Admixed American, 0.08%; no homozygotes.

Submissions (2):

GeneDx
Classification: Uncertain significance. Last evaluated: 2021-04-14. Review status: criteria provided, single submitter. Criteria: GeneDx Variant Classification Process June 2021. Collection method: clinical testing. Allele origin: germline. Affected: yes.
Comment: In silico analysis supports that this missense variant does not alter protein structure/function; Has not been previously published as pathogenic or benign to our knowledge

Eurofins Ntd Llc (ga)
Classification: Uncertain significance. Last evaluated: 2018-06-11. Review status: criteria provided, single submitter. Criteria: EGL ClinVar v180209 classification definitions. Collection method: clinical testing. Allele origin: germline. Observed: 1 variant allele, 1 heterozygote.

NM_144508.5(KNL1):c.1693G>A (p.Glu565Lys)

Gene: KNL1 (kinetochore scaffold 1; plus strand). Cytogenetic location: 15q15.1.
Variant type: single nucleotide variant.
Coding change: c.1693G>A on transcript NM_144508.5 (MANE Select); coding-DNA position 1693, G replaced by A.
Protein change: p.Glu565Lys; replaces glutamic acid 565 with lysine.
Molecular consequence: missense variant.
Genome position (GRCh38, 1-based): chr15:40,621,957, G>A. VCF-style: chr15-40621957-G-A. GRCh37 (hg19) VCF-style: chr15-40914155-G-A.
Other names: c.1771G>A, p.Glu591Lys (NM_170589.5); short protein forms E591K, E565K.
Identifiers: ClinVar variation 597609 (VCV000597609.7), dbSNP rs750147772, ClinGen allele CA7482710.